The following is an entry in ClinVar:

ClinVar aggregate classification (germline): Pathogenic. Review status: criteria provided, multiple submitters, no conflicts (2 of 4 stars). 3 submissions from 3 submitters: Pathogenic (3). Last evaluated 2024-05-20.

Conditions:
Hereditary cancer-predisposing syndrome. Also called: Hereditary Cancer Syndrome; Neoplastic Syndromes, Hereditary; Hereditary neoplastic syndrome; Tumor predisposition. Identifiers: Orphanet 140162, MedGen C0027672, MeSH D009386, MONDO:0015356.
Retinoblastoma (RB1). Also called: RETINOBLASTOMA, SOMATIC. Identifiers: Orphanet 790, MedGen C0035335, MeSH D012175, MONDO:0008380, OMIM 180200, HP:0009919. Disease mechanism: loss of function. Inheritance: Both sporadic and heritable forms are tested..

Submissions (3):

Genetic Diagnostic Laboratory, University of Pennsylvania School of Medicine
Classification: Pathogenic for Retinoblastoma. Last evaluated: 2024-05-20. Review status: criteria provided, single submitter. Criteria: ACMG Guidelines, 2015. Collection method: clinical testing. Allele origin: germline. Affected: yes. Observed: 1 variant allele.
Comment: Case and Pedigree Information: BILATERAL CASES:1, UNILATERAL CASES:0, TOTAL CASES:1, PEDIGREES:1. ACMG Codes Applied:PVS1, PM2

St. Jude Molecular Pathology, St. Jude Children's Research Hospital
Classification: Pathogenic for Retinoblastoma. Last evaluated: 2016-01-15. Review status: criteria provided, single submitter. Criteria: ACMG Guidelines, 2015. Collection method: clinical testing. Allele origin: germline. Affected: yes.
Comment: This is predicted to change a Leucine to a Tyrosine at codon 569, which results in a shift in the reading frame and a premature stop codon 42 amino acids downstream.

Ambry Genetics
Classification: Pathogenic for Hereditary cancer-predisposing syndrome. Last evaluated: 2011-10-27. Review status: criteria provided, single submitter. Criteria: Ambry Autosomal Dominant and X-Linked criteria (10/2015). Collection method: clinical testing. Allele origin: germline. Observed: 1 variant allele.
Comment: This alteration is expected to result in loss of function by premature protein truncation or nonsense-mediatedâ€¯mRNAâ€¯decay.â€¯As such, this alteration is interpreted as a disease-causing mutation.

NM_000321.3(RB1):c.1706del (p.Leu569fs)

Gene: RB1 (RB transcriptional corepressor 1; plus strand). Cytogenetic location: 13q14.2.
Variant type: Deletion.
Coding change: c.1706del on transcript NM_000321.3 (MANE Select); coding-DNA position 1706, one base deleted (T; older notation c.1706delT).
Protein change: p.Leu569fs; shifts the reading frame from leucine 569.
Molecular consequence: frameshift variant.
Genome position (GRCh38, 1-based): chr13:48,453,003, T deleted; the last of 3 consecutive T bases (chr13:48,453,001-48,453,003); deleting any one gives the same sequence. VCF-style (leftmost placement, unchanged base first): chr13-48453000-CT-C. GRCh37 (hg19) VCF-style: chr13-49027136-CT-C.
Other names: c.1706delT (NM_000321.2); short protein forms L569fs.
Identifiers: ClinVar variation 428659 (VCV000428659.6), dbSNP rs1131690842, ClinGen allele CA645369523.